The following is an entry in ClinVar:

NM_001291303.3(FAT4):c.3506G>A (p.Arg1169Gln)

Gene: FAT4 (FAT atypical cadherin 4; plus strand). Cytogenetic location: 4q28.1.
Variant type: single nucleotide variant.
Coding change: c.3506G>A on transcript NM_001291303.3 (MANE Select); coding-DNA position 3506, G replaced by A.
Protein change: p.Arg1169Gln; replaces arginine 1169 with glutamine.
Molecular consequence: missense variant.
Genome position (GRCh38, 1-based): chr4:125,319,917, G>A. VCF-style: chr4-125319917-G-A. GRCh37 (hg19) VCF-style: chr4-126241072-G-A.
Other names: c.3506G>A (NM_024582.5); c.3506G>A, p.Arg1169Gln (NM_001291285.3, NM_024582.6); short protein forms R1169Q.
Identifiers: ClinVar variation 1928070 (VCV001928070.4), dbSNP rs750169762, ClinGen allele CA3072320.

ClinVar aggregate classification (germline): Uncertain significance. Review status: criteria provided, multiple submitters, no conflicts (2 of 4 stars). 3 submissions from 3 submitters: Uncertain significance (3). Last evaluated 2026-01-24.

Conditions:
Van Maldergem syndrome 2 (VMLDS2). Identifiers: Orphanet 314679, MedGen C3809875, MONDO:0014242, OMIM 615546.
Hennekam lymphangiectasia-lymphedema syndrome 2 (HKLLS2). Identifiers: Orphanet 2136, MedGen C4014939, MONDO:0014454, OMIM 616006.

Allele frequency attached by ClinVar (database versions not stated): gnomAD 0.00001; gnomAD exomes 0.00004; ExAC 0.00008; TOPMed 0.00008.
gnomAD v4.1: 64 of 1,613,780 alleles (0.004%); highest among the groups gnomAD compares: Middle Eastern, 0.033%; no homozygotes.

Submissions (3):

Clinical Genomics Laboratory, Washington University in St. Louis
Classification: Uncertain significance for Van Maldergem syndrome 2; Hennekam lymphangiectasia-lymphedema syndrome 2. Last evaluated: 2026-01-24. Review status: criteria provided, single submitter. Criteria: ACMG Guidelines, 2015. Collection method: clinical testing. Allele origin: germline.
Comment: A FAT4 c.3506G>A (p.Arg1169Gln) variant was identified at a near heterozygous allelic fraction of 48.9%, a frequency which may be consistent with it being of germline origin. This variant, to our knowledge, has not been reported in the medical literature but has been reported in the ClinVar database a germline variant of uncertain significance by two submitters (ClinVar Variation ID: 1928070). This variant is only observed in 64/1,613,780 alleles in the general population (gnomAD v4.1.0), indicating it is not a common variant. Computational predictors suggest that the variant does not impact FAT4 function. Due to limited information, and based on ACMG/AMP guidelines for variant interpretation (Richards S et al., PMID: 25741868), the clinical significance of this variant is uncertain at this time.

Fulgent Genetics
Classification: Uncertain significance for Van Maldergem syndrome 2; Hennekam lymphangiectasia-lymphedema syndrome 2. Last evaluated: 2024-04-15. Review status: criteria provided, single submitter. Criteria: ACMG Guidelines, 2015. Collection method: clinical testing. Allele origin: germline.

Labcorp Genetics (formerly Invitae), Labcorp
Classification: Uncertain significance. Last evaluated: 2022-08-16. Review status: criteria provided, single submitter. Criteria: Invitae Variant Classification Sherloc (09022015). Collection method: clinical testing. Allele origin: germline.
Comment: This sequence change replaces arginine, which is basic and polar, with glutamine, which is neutral and polar, at codon 1169 of the FAT4 protein (p.Arg1169Gln). This variant is present in population databases (rs750169762, gnomAD 0.04%). This variant has not been reported in the literature in individuals affected with FAT4-related conditions. Advanced modeling of protein sequence and biophysical properties (such as structural, functional, and spatial information, amino acid conservation, physicochemical variation, residue mobility, and thermodynamic stability) performed at Invitae indicates that this missense variant is not expected to disrupt FAT4 protein function. In summary, the available evidence is currently insufficient to determine the role of this variant in disease. Therefore, it has been classified as a Variant of Uncertain Significance.

Literature cited by the submitters: uncertain (cited by Clinical Genomics Laboratory, Washington University in St. Louis).